The following is an entry in ClinVar:

ClinVar aggregate classification (germline): Uncertain significance. Review status: criteria provided, multiple submitters, no conflicts (2 of 4 stars). 4 submissions from 4 submitters: Uncertain significance (4). Last evaluated 2025-12-29.

Conditions:
Hereditary cancer-predisposing syndrome. Also called: Neoplastic Syndromes, Hereditary; Tumor predisposition; Hereditary Cancer Syndrome; Hereditary neoplastic syndrome. Identifiers: Orphanet 140162, MedGen C0027672, MeSH D009386, MONDO:0015356.
Familial cancer of breast. Also called: BREAST CANCER, FAMILIAL; hereditary breast carcinoma; Hereditary breast cancer. Identifiers: Orphanet 227535, MedGen C0346153, MONDO:0016419, OMIM 114480. Disease mechanism: loss of function.

Allele frequency attached by ClinVar (database versions not stated): gnomAD exomes below 0.00001; ExAC 0.00001.
gnomAD v4.1: 1 of 1,613,100 alleles (0.000062%); no homozygotes.

Submissions (4):

Center for Genomic Medicine, Rigshospitalet, Copenhagen University Hospital
Classification: Uncertain significance. Last evaluated: 2025-12-29. Review status: criteria provided, single submitter. Criteria: ACMG Guidelines, 2015. Collection method: clinical testing. Allele origin: germline.

Labcorp Genetics (formerly Invitae), Labcorp
Classification: Uncertain significance for Familial cancer of breast. Last evaluated: 2023-12-19. Review status: criteria provided, single submitter. Criteria: Invitae Variant Classification Sherloc (09022015). Collection method: clinical testing. Allele origin: germline.
Comment: This sequence change replaces phenylalanine, which is neutral and non-polar, with leucine, which is neutral and non-polar, at codon 418 of the CHEK2 protein (p.Phe418Leu). This variant is present in population databases (rs774870353, gnomAD 0.01%). This variant has not been reported in the literature in individuals affected with CHEK2-related conditions. ClinVar contains an entry for this variant (Variation ID: 921419). An algorithm developed to predict the effect of missense changes on protein structure and function (PolyPhen-2) suggests that this variant is likely to be disruptive. In summary, the available evidence is currently insufficient to determine the role of this variant in disease. Therefore, it has been classified as a Variant of Uncertain Significance.

Color Diagnostics, LLC DBA Color Health
Classification: Uncertain significance for Hereditary cancer-predisposing syndrome. Last evaluated: 2023-12-04. Review status: criteria provided, single submitter. Criteria: ACMG Guidelines, 2015. Collection method: clinical testing. Allele origin: germline.
Comment: This missense variant replaces phenylalanine with leucine at codon 418 of the CHEK2 protein. Computational prediction tools and conservation analyses are inconclusive regarding the impact of this variant on protein structure and function. Splice site prediction tools suggest that this variant may not impact RNA splicing. To our knowledge, functional studies have not been performed for this variant. This variant has not been reported in individuals affected with hereditary cancer in the literature. This variant has been identified in 1/250064 chromosomes in the general population by the Genome Aggregation Database (gnomAD). The available evidence is insufficient to determine the role of this variant in disease conclusively. Therefore, this variant is classified as a Variant of Uncertain Significance.

Ambry Genetics
Classification: Uncertain significance for Hereditary cancer-predisposing syndrome. Last evaluated: 2020-08-05. Review status: criteria provided, single submitter. Criteria: Ambry Variant Classification Scheme 2023. Collection method: clinical testing. Allele origin: germline.
Comment: The p.F418L variant (also known as c.1254T>A), located in coding exon 10 of the CHEK2 gene, results from a T to A substitution at nucleotide position 1254. The phenylalanine at codon 418 is replaced by leucine, an amino acid with highly similar properties. This amino acid position is highly conserved in available vertebrate species. In addition, the in silico prediction for this alteration is inconclusive. Since supporting evidence is limited at this time, the clinical significance of this alteration remains unclear.

NM_007194.4(CHEK2):c.1254T>A (p.Phe418Leu)

Gene: CHEK2 (checkpoint kinase 2; minus strand). Cytogenetic location: 22q12.1.
Variant type: single nucleotide variant.
Coding change: c.1254T>A on transcript NM_007194.4 (MANE Select); coding-DNA position 1254, T replaced by A.
Protein change: p.Phe418Leu; replaces phenylalanine 418 with leucine.
Molecular consequence: missense variant.
Genome position (GRCh38, 1-based): chr22:28,695,715, A>T on the plus strand (T>A on the coding strand, the complement: CHEK2 is on the minus strand). VCF-style: chr22-28695715-A-T. GRCh37 (hg19) VCF-style: chr22-29091703-A-T.
Other names: c.1383T>A, p.Phe461Leu (NM_001005735.3); c.591T>A, p.Phe197Leu (NM_001257387.3); c.1053T>A, p.Phe351Leu (NM_001349956.3); c.1167T>A, p.Phe389Leu (NM_145862.3); short protein forms F351L, F461L, F197L, F418L, F389L.
Identifiers: ClinVar variation 921419 (VCV000921419.17), dbSNP rs774870353, ClinGen allele CA10167702.